The following is an entry in ClinVar:

NM_033380.3(COL4A5):c.4912T>C (p.Cys1638Arg)

Gene: COL4A5 (collagen type IV alpha 5 chain; plus strand). Cytogenetic location: Xq22.3.
Variant type: single nucleotide variant.
Coding change: c.4912T>C on transcript NM_033380.3 (MANE Select); coding-DNA position 4912, T replaced by C.
Protein change: p.Cys1638Arg; replaces cysteine 1638 with arginine.
Molecular consequence: missense variant.
Genome position (GRCh38, 1-based): chrX:108,695,357, T>C. VCF-style: chrX-108695357-T-C. GRCh37 (hg19) VCF-style: chrX-107938587-T-C.
Other names: p.(Cys1638Arg); c.4894T>C, p.Cys1632Arg (NM_000495.5); c.4912T>C (NM_033380.2); short protein forms C1632R, C1638R.
Identifiers: ClinVar variation 3236356 (VCV003236356.3), dbSNP rs281874750, ClinGen allele CA414132830.

ClinVar aggregate classification (germline): Pathogenic/Likely pathogenic. Review status: criteria provided, multiple submitters, no conflicts (2 of 4 stars). 3 submissions from 3 submitters: Pathogenic (2); Likely pathogenic (1). Last evaluated 2026-07-10.

Conditions:
X-linked Alport syndrome (ATS1). Also called: NEPHROPATHY AND DEAFNESS, X-LINKED; COL4A5-Related Nephropathy. Identifiers: Orphanet 63, Orphanet 88917, MedGen C4746986, MONDO:0010520, OMIM 301050.

Submissions (3):

Centre de Génétique Humaine, Institut de Pathologie Et de Génétique
Classification: Likely pathogenic for X-linked Alport syndrome. Last evaluated: 2026-07-10. Review status: criteria provided, single submitter. Criteria: ACMG Guidelines, 2015. Collection method: clinical testing. Allele origin: germline. Inheritance: X-linked dominant inheritance. Affected: yes. Observed: 1 variant allele, 1 hemizygote. Segregation with disease not observed.
Comment: This missense variant involves a highly conserved cysteine located in the carboxy NC domain, which is critical for correct folding and stability of the NC1 domain and for trimer and hexamer assembly of the collagen IV (PM1,PP2). This variant is rare: absent in gnomAD v4.1.0 database (PM2). Four other missense variants affecting the same residue described as disease causing or LP/P: c.4913G>T p.(Cys1638Phe) :PMID: 35020912; c.4913G>C p.(Cys1638Ser), PMID: 20378821, PMID: 26809805, PMID: 31027891; c.4913G>A p.(Cys1638Tyr): PMID: 17277342, PMID: 20130921; PMID: 32939031; c.4914T>G p.(Cys1638Trp), PMID: 29270492 (PM5). In silico analysis supports that this missense variant has a deleterious effect (PP3). Described as LP/P in ClinVar (PP5).

MVZ Medizinische Genetik Mainz
Classification: Pathogenic for X-linked Alport syndrome. Last evaluated: 2024-11-19. Review status: criteria provided, single submitter. Criteria: UK Practice Guidelines For Variant Classification V4 01 2020. Collection method: clinical testing. Allele origin: germline. Inheritance: Unknown mechanism. Affected: yes. Observed: 2 variant alleles.
Comment: ACMG Criteria: PP3_STR,PM1_SUP,PM2_SUP,PM5_SUP,PP4

Victorian Clinical Genetics Services, Murdoch Childrens Research Institute
Classification: Pathogenic for X-linked Alport syndrome. Last evaluated: 2023-07-17. Review status: criteria provided, single submitter. Criteria: ACMG Guidelines, 2015. Collection method: clinical testing. Allele origin: germline. Inheritance: X-linked dominant inheritance. Affected: yes.
Comment: Based on the classification scheme VCGS_Germline_v1.3.4, this variant is classified as Pathogenic. Following criteria are met: 0103 - Dominant negative and loss of function are known mechanisms of disease in this gene and are associated with X-linked Alport syndrome 1 (MIM#301050). Dominant negative is caused mostly by glycine substitutions that affect the conformation of the protein, and loss of function can be caused by either protein truncating or missense variants (PMID: 24046192, 12028435). (I) 0110 - This gene is associated with X-linked dominant disease. Males are typically more severely affected than females (PMID: 19965530). (I) 0115 - Variants in this gene are known to have variable expressivity. There is intrafamilial variability among affected carrier females, possibly due to variable X-inactivation (PMID: 14514738). (I) 0200 - Variant is predicted to result in a missense amino acid change from cysteine to arginine. (I) 0251 - This variant is heterozygous. (I) 0301 - Variant is absent from gnomAD (both v2 and v3). (SP) 0501 - Missense variant consistently predicted to be damaging by multiple in silico tools or highly conserved with a major amino acid change. (SP) 0601 - Variant is located in the well-established functional C4 domain (DECIPHER, PMID: 36721056). (SP) 0702 - Other variants comparable to the one identified in this case have strong previous evidence for pathogenicity. Other amino acid changes at the same position, p.(Cys1638Ser) , p.(Cys1638Tyr) and (Cys1638Trp), have been reported as pathogenic/likely pathogenic in individuals with Alport syndrome (ClinVar, PMID: 24033287, PMID: 26809805, PMID: 17277342). (SP) 0809 - Previous evidence of pathogenicity for this variant is inconclusive. This variant was reported as pathogenic in PMID: 35789182, citing LOVD as the source. However, the variant is not currently listed in LOVD and therefore, there is uncertainty regarding this classification. (I) 0905 - No published segregation evidence has been identified for this variant. (I) 1007 - No published functional evidence has been identified for this variant. (I) 1208 - Inheritance information for this variant is not currently available in this individual. (I) Legend: (SP) - Supporting pathogenic, (I) - Information, (SB) - Supporting benign

Literature cited by the submitters: PubMed 12028435 (cited by Victorian Clinical Genetics Services, Murdoch Childrens Research Institute); PubMed 14514738 (cited by Victorian Clinical Genetics Services, Murdoch Childrens Research Institute); PubMed 17277342 (cited by Victorian Clinical Genetics Services, Murdoch Childrens Research Institute); PubMed 19965530 (cited by Victorian Clinical Genetics Services, Murdoch Childrens Research Institute); PubMed 24033287 (cited by Victorian Clinical Genetics Services, Murdoch Childrens Research Institute); PubMed 24046192 (cited by Victorian Clinical Genetics Services, Murdoch Childrens Research Institute); PubMed 26809805 (cited by Victorian Clinical Genetics Services, Murdoch Childrens Research Institute); PubMed 35789182 (cited by Victorian Clinical Genetics Services, Murdoch Childrens Research Institute); PubMed 36721056 (cited by Victorian Clinical Genetics Services, Murdoch Childrens Research Institute).